The following is an entry in ClinVar:

ClinVar aggregate classification (germline): Uncertain significance. Review status: criteria provided, multiple submitters, no conflicts (2 of 4 stars). 2 submissions from 2 submitters: Uncertain significance (2). Last evaluated 2025-03-18.

Allele frequency attached by ClinVar (database versions not stated): ExAC 0.00002; TOPMed 0.00007; gnomAD 0.00008; gnomAD exomes 0.00001; ESP Exome Variant Server 0.00008.
gnomAD v4.1: 29 of 1,613,068 alleles (0.0018%); highest among the groups gnomAD compares: African/African-American, 0.017%; no homozygotes.

Submissions (2):

Labcorp Genetics (formerly Invitae), Labcorp
Classification: Uncertain significance. Last evaluated: 2025-03-18. Review status: criteria provided, single submitter. Criteria: Invitae Variant Classification Sherloc (09022015). Collection method: clinical testing. Allele origin: germline.
Comment: This sequence change replaces arginine, which is basic and polar, with glutamine, which is neutral and polar, at codon 3098 of the HMCN1 protein (p.Arg3098Gln). This variant is present in population databases (rs377269478, gnomAD 0.007%). This variant has not been reported in the literature in individuals affected with HMCN1-related conditions. ClinVar contains an entry for this variant (Variation ID: 2494733). An algorithm developed to predict the effect of missense changes on protein structure and function outputs the following: PolyPhen-2: "Benign". The glutamine amino acid residue is found in multiple mammalian species, which suggests that this missense change does not adversely affect protein function. In summary, the available evidence is currently insufficient to determine the role of this variant in disease. Therefore, it has been classified as a Variant of Uncertain Significance.

Ambry Genetics
Classification: Uncertain significance. Last evaluated: 2023-03-06. Review status: criteria provided, single submitter. Criteria: Ambry Variant Classification Scheme 2023. Collection method: clinical testing. Allele origin: germline.

NM_031935.3(HMCN1):c.9293G>A (p.Arg3098Gln)

Gene: HMCN1 (hemicentin 1; plus strand). Cytogenetic location: 1q31.1.
Variant type: single nucleotide variant.
Coding change: c.9293G>A on transcript NM_031935.3 (MANE Select); coding-DNA position 9293, G replaced by A.
Protein change: p.Arg3098Gln; replaces arginine 3098 with glutamine.
Molecular consequence: missense variant.
Genome position (GRCh38, 1-based): chr1:186,087,575, G>A. VCF-style: chr1-186087575-G-A. GRCh37 (hg19) VCF-style: chr1-186056707-G-A.
Other names: short protein forms R3098Q.
Identifiers: ClinVar variation 2494733 (VCV002494733.4), dbSNP rs377269478, ClinGen allele CA1293371.